The following is an entry in ClinVar:

NM_000535.7(PMS2):c.16_17dup (p.Ser6fs)

Gene: PMS2 (PMS1 homolog 2, mismatch repair system component; minus strand). Cytogenetic location: 7p22.1.
Variant type: Microsatellite.
Coding change: c.16_17dup on transcript NM_000535.7 (MANE Select); coding-DNA positions 16 to 17, 2 bases duplicated (AG; older notation c.16_17dupAG).
Protein change: p.Ser6fs; shifts the reading frame from serine 6.
Molecular consequence: frameshift variant. On other transcripts: 5 prime UTR variant (11), non-coding transcript variant (1).
Genome position (GRCh38, 1-based): chr7:6,009,003-6,009,004, CT duplicated on the plus strand (AG on the coding strand, the reverse complement: PMS2 is on the minus strand); duplicating any 2 consecutive bases within chr7:6,009,003-6,009,007 gives the same sequence; the c. name uses the placement nearest the transcript's 3' end. VCF-style (leftmost placement, unchanged base first): chr7-6009002-G-GCT. GRCh37 (hg19) VCF-style: chr7-6048633-G-GCT.
Other names: c.13_14GA[3], p.Ser6Argfs (NM_000535.5, NM_001406866.1, NM_001406868.1 and 10 more transcripts); c.-388_-387GA[3] (NM_001018040.1, NM_001406887.1, NM_001406905.1 and 3 more transcripts); c.-387AG[3] (NM_001322003.2, NM_001322013.2); c.-252AG[3] (NM_001322004.2, NM_001322010.2); c.-582AG[3] (NM_001322005.2); c.16_17dup, p.Ser6fs (NM_001322006.2, NM_001322014.2); c.-202AG[3] (NM_001322007.2); c.-62AG[3] (NM_001322008.2); and 25 more; short protein forms S6fs.
Identifiers: ClinVar variation 1776163 (VCV001776163.3), dbSNP rs2536706841, ClinGen allele CA2580615847.
Genomic context (GRCh38, chr7:6,009,002, plus strand): 5'-GGTCTCAAAGAGGGCGCGCGAGAGGGGACACCGGAAGACTGCGAGCCCCGCTCACCTCGA[G>GCT]CTCTCAGCTCGCTCCATGGATGCAACACCCGATCCGCCTCGGGGACTGGGAAAGTTCCCT-3'

ClinVar aggregate classification (germline): Pathogenic. Review status: criteria provided, multiple submitters, no conflicts (2 of 4 stars). 2 submissions from 2 submitters: Pathogenic (2). Last evaluated 2022-05-27.

Conditions:
Hereditary cancer-predisposing syndrome. Also called: Neoplastic Syndromes, Hereditary; Tumor predisposition; Hereditary Cancer Syndrome; Hereditary neoplastic syndrome. Identifiers: Orphanet 140162, MedGen C0027672, MeSH D009386, MONDO:0015356.

Submissions (2):

Clinical Genetics Laboratory, Skane University Hospital Lund
Classification: Pathogenic. Last evaluated: 2022-05-27. Review status: criteria provided, single submitter. Criteria: ACMG Guidelines, 2015. Collection method: clinical testing. Allele origin: germline. Affected: yes.

Ambry Genetics
Classification: Pathogenic for Hereditary cancer-predisposing syndrome. Last evaluated: 2015-12-30. Review status: criteria provided, single submitter. Criteria: Ambry Variant Classification Scheme 2023. Collection method: clinical testing. Allele origin: germline.
Comment: The c.16_17dupAG pathogenic mutation, located in coding exon 1 of the PMS2 gene, results from a duplication of two nucleotides at positions 16 to 17, causing a translational frameshift with a predicted alternate stop codon. Since frameshifts are typically deleterious in nature, this alteration is interpreted as a disease-causing mutation (ACMG Recommendations for Standards for Interpretation and Reporting of Sequence Variations. Revision 2007. Genet Med. 2008;10:294).